The following is an entry in ClinVar:

ClinVar aggregate classification (germline): Uncertain significance (1 of 4 stars; one submission).

Submission:

GeneDx
Classification: Uncertain significance. Last evaluated: 2024-01-03. Review status: criteria provided, single submitter. Criteria: GeneDx Variant Classification Process June 2021. Collection method: clinical testing. Allele origin: germline. Affected: yes.
Comment: Not observed at significant frequency in large population cohorts (gnomAD); In silico analysis supports that this missense variant has a deleterious effect on protein structure/function; Has not been previously published as pathogenic or benign to our knowledge

NM_001127222.2(CACNA1A):c.4499T>G (p.Phe1500Cys)

Gene: CACNA1A (calcium voltage-gated channel subunit alpha1 A; minus strand). Cytogenetic location: 19p13.13.
Variant type: single nucleotide variant.
Coding change: c.4499T>G on transcript NM_001127222.2 (MANE Select); coding-DNA position 4499, T replaced by G.
Protein change: p.Phe1500Cys; replaces phenylalanine 1500 with cysteine.
Molecular consequence: missense variant.
Genome position (GRCh38, 1-based): chr19:13,257,441, A>C on the plus strand (T>G on the coding strand, the complement: CACNA1A is on the minus strand). VCF-style: chr19-13257441-A-C. GRCh37 (hg19) VCF-style: chr19-13368255-A-C.
Other names: c.4511T>G, p.Phe1504Cys (NM_000068.4, NM_023035.3); c.4502T>G, p.Phe1501Cys (NM_001127221.2, NM_001174080.2); short protein forms F1500C, F1501C, F1504C.
Identifiers: ClinVar variation 3367488 (VCV003367488.1).